The following is an entry in ClinVar:

ClinVar aggregate classification (germline): Benign/Likely benign. Review status: criteria provided, multiple submitters, no conflicts (2 of 4 stars). 13 submissions from 13 submitters: Benign (5); Likely benign (5). 3 of the submissions do not count toward it. Last evaluated 2026-02-03.

Conditions:
Cardiovascular phenotype. Identifiers: MedGen CN230736.
Alstrom syndrome (ALMS). Identifiers: Orphanet 64, MedGen C0268425, MONDO:0008763, OMIM 203800.
Monogenic diabetes. Identifiers: Orphanet 183625, MedGen C3888631, MONDO:0015967.

Allele frequency attached by ClinVar (database versions not stated): gnomAD exomes 0.00044 and 0.00105; ExAC 0.00125; 1000 Genomes Project 30x 0.00297; 1000 Genomes Project 0.00300; ESP Exome Variant Server 0.00370; gnomAD 0.00375 and 0.00394; TOPMed 0.00409.
gnomAD v4.1: 1,235 of 1,614,038 alleles (0.077%); highest among the groups gnomAD compares: African/African-American, 1.3%; 5 homozygotes.

Submissions (13):

Labcorp Genetics (formerly Invitae), Labcorp
Classification: Benign for Alstrom syndrome. Last evaluated: 2026-02-03. Review status: criteria provided, single submitter. Criteria: Invitae Variant Classification Sherloc (09022015). Collection method: clinical testing. Allele origin: germline.

Blueprint Genetics
Classification: Likely benign. Last evaluated: 2024-11-12. Review status: criteria provided, single submitter. Criteria: ACMG Guidelines, 2015. Collection method: clinical testing. Allele origin: germline.

Women's Health and Genetics/Laboratory Corporation of America, LabCorp
Classification: Benign. Last evaluated: 2023-08-23. Review status: criteria provided, single submitter. Criteria: LabCorp Variant Classification Summary - May 2015. Collection method: clinical testing. Allele origin: germline.
Comment: Variant summary: ALMS1 c.6004A>G (p.Ile2002Val) results in a conservative amino acid change in the encoded protein sequence. Five of five in-silico tools predict a benign effect of the variant on protein function. The variant allele was found at a frequency of 0.002 in 393874 control chromosomes, predominantly at a frequency of 0.013 within the African or African-American subpopulation in the gnomAD database, including 4 homozygotes. The observed variant frequency within African or African-American control individuals in the gnomAD database is approximately 6 fold of the estimated maximal expected allele frequency for a pathogenic variant in ALMS1 causing Cardiomyopathy phenotype (0.0022), strongly suggesting that the variant is a benign polymorphism found primarily in populations of African or African-American origin. To our knowledge, no occurrence of c.6004A>G in individuals affected with Cardiomyopathy and no experimental evidence demonstrating its impact on protein function have been reported. Six submitters have reported clinical-significance assessments for this variant to ClinVar after 2014. All submitters classified the variant as benign (n = 3) or likely benign (n = 3). Based on the evidence outlined above, the variant was classified as benign.

GeneDx
Classification: Benign. Last evaluated: 2019-08-09. Review status: criteria provided, single submitter. Criteria: GeneDx Variant Classification Process June 2021. Collection method: clinical testing. Allele origin: germline. Affected: yes.

Ambry Genetics
Classification: Benign for Cardiovascular phenotype. Last evaluated: 2019-01-21. Review status: criteria provided, single submitter. Criteria: Ambry Variant Classification Scheme 2023. Collection method: clinical testing. Allele origin: germline.

Personalized Diabetes Medicine Program, University of Maryland School of Medicine
Classification: Likely benign for Monogenic diabetes. Last evaluated: 2018-03-27. Review status: criteria provided, single submitter. Criteria: ACMG Guidelines, 2015. Collection method: research. Allele origin: unknown. Observed: 1 variant allele, 1 heterozygote.
Comment: ACMG criteria: BP4(8 predictors, REVEL=0.017),BS1(1.27% in ExAC African population), BP1(missense in gene with truncating cause disease), 1 homozygote in gnomAD=likely benign

Laboratory for Molecular Medicine, Mass General Brigham Personalized Medicine
Classification: Likely benign. Last evaluated: 2016-03-21. Review status: criteria provided, single submitter. Criteria: LMM Criteria. Collection method: clinical testing. Allele origin: germline. Observed: 1 variant allele.
Comment: p.Ile2002Val in exon 8 of ALMS1: This variant is not expected to have clinical s ignificance because it has been identified in 1.27% (124/9766) of African chromo somes by the Exome Aggregation Consortium (ExAC; dbSNP rs7587103).

Center for Pediatric Genomic Medicine, Children's Mercy Hospital and Clinics
Classification: Likely benign. Last evaluated: 2015-12-22. Review status: criteria provided, single submitter. Criteria: ACMG Guidelines, 2015. Collection method: clinical testing. Allele origin: germline.
ClinVar note: Converted during submission from Likely Benign to Likely benign.

Breakthrough Genomics
Classification: Likely benign. Review status: criteria provided, single submitter. Criteria: ACMG Guidelines, 2015. Collection method: not provided. Allele origin: germline. Inheritance: Autosomal recessive inheritance. Affected: yes.

Clinical Genomics, Uppaluri K&H Personalized Medicine Clinic
Classification: Benign for Alstrom syndrome. Review status: criteria provided, single submitter. Criteria: K & H Uppaluri Personalized Medicine Clinic Variant Classification & Assertion Criteria_Updated V.1. Collection method: research. Allele origin: unknown. Inheritance: Autosomal recessive inheritance.
Comment: Potent mutations in ALMS1 are associated with a rare condition called Alstrom syndrome. It can cause excessive eating, insulin resistance. However, no evidence is found to ascertain the role of rs7587103 in Alstrom syndrome yet.

Clinical Genetics DNA and cytogenetics Diagnostics Lab, Erasmus MC, Erasmus Medical Center
Classification: Benign. Review status: no assertion criteria provided. Collection method: clinical testing. Allele origin: germline. Affected: yes. Study: VKGL Data-share Consensus. Not counted in ClinVar's aggregate classification.

Genome Diagnostics Laboratory, University Medical Center Utrecht
Classification: Benign. Review status: no assertion criteria provided. Collection method: clinical testing. Allele origin: germline. Affected: yes. Study: VKGL Data-share Consensus. Not counted in ClinVar's aggregate classification.

Laboratory of Diagnostic Genome Analysis, Leiden University Medical Center (LUMC)
Classification: Likely benign. Review status: no assertion criteria provided. Collection method: clinical testing. Allele origin: germline. Affected: yes. Study: VKGL Data-share Consensus. Not counted in ClinVar's aggregate classification.

Literature cited by the submitters: PubMed 34148947 (cited by Clinical Genomics, Uppaluri K&H Personalized Medicine Clinic); PubMed 25846608 (cited by Clinical Genomics, Uppaluri K&H Personalized Medicine Clinic); PubMed 30421101 (cited by Clinical Genomics, Uppaluri K&H Personalized Medicine Clinic); PubMed 33669459 (cited by Clinical Genomics, Uppaluri K&H Personalized Medicine Clinic).

NM_001378454.1(ALMS1):c.6007A>G (p.Ile2003Val)

Gene: ALMS1 (ALMS1 centrosome and basal body associated protein; plus strand). Cytogenetic location: 2p13.1.
Variant type: single nucleotide variant.
Coding change: c.6007A>G on transcript NM_001378454.1 (MANE Select); coding-DNA position 6007, A replaced by G.
Protein change: p.Ile2003Val; replaces isoleucine 2003 with valine.
Molecular consequence: missense variant.
Genome position (GRCh38, 1-based): chr2:73,452,534, A>G. VCF-style: chr2-73452534-A-G. GRCh37 (hg19) VCF-style: chr2-73679661-A-G.
Other names: c.6004A>G (NM_015120.4); c.6010A>G, p.Ile2004Val (NM_015120.4); short protein forms I2004V, I2003V.
Identifiers: ClinVar variation 221017 (VCV000221017.30), dbSNP rs7587103, ClinGen allele CA348507.
Genomic context (GRCh38, chr2:73,452,534, plus strand): 5'-GGACTGTCTAGTTCCTACTCACATTCACATAAAGAGAAACTCAAGATTTCAACTGTGCAT[A>G]TACCAGATGACCAGAAAACTGAGTTTCCAGCAGCTACCCTTAGTTCCTACTCACAAATAG-3'
Protein context (NP_001365383.1, residues 1993-2013): KEKLKISTVH[Ile2003Val]PDDQKTEFPA